The following is an entry in ClinVar:

NM_032119.4(ADGRV1):c.1317C>T (p.Ser439=)

Gene: ADGRV1 (adhesion G protein-coupled receptor V1; plus strand). Cytogenetic location: 5q14.3.
Variant type: single nucleotide variant.
Coding change: c.1317C>T on transcript NM_032119.4 (MANE Select); coding-DNA position 1317, C replaced by T.
Protein change: p.Ser439=; no amino-acid change (serine 439 retained).
Molecular consequence: synonymous variant. On other transcripts: non-coding transcript variant (1).
Genome position (GRCh38, 1-based): chr5:90,628,640, C>T. VCF-style: chr5-90628640-C-T. GRCh37 (hg19) VCF-style: chr5-89924457-C-T.
Identifiers: ClinVar variation 794176 (VCV000794176.17), dbSNP rs368171530, ClinGen allele CA3338669.
Genomic context (GRCh38, chr5:90,628,640, plus strand): 5'-GGTTAGAAATGGAGGAACCCATGGGAATGTCTCTGCGAATTGGGTGTTGACACGGAACAG[C>T]ACTGATCCCTCACCAGTAACAGCAGATATCAGACCGAGCTCTGGAGTTCTCCATTTTGCA-3'
Protein context (NP_115495.3, residues 429-449): VSANWVLTRN[Ser439=]TDPSPVTADI

ClinVar aggregate classification (germline): Conflicting classifications of pathogenicity. Review status: criteria provided, conflicting classifications (1 of 4 stars). 4 submissions from 4 submitters: Uncertain significance (1); Benign (1); Likely benign (1). 1 of the submissions does not count toward it. Last evaluated 2026-01-21.

Conditions:
Usher syndrome type 2C. Also called: Usher syndrome, type 2B; USHER SYNDROME, TYPE IIC. Identifiers: Orphanet 231178, Orphanet 886, MedGen C2931213, MONDO:0011558, OMIM 605472.
ADGRV1-related disorder. Also called: ADGRV1-related disorders; ADGRV1-related condition.

Allele frequency attached by ClinVar (database versions not stated): TOPMed 0.00008; gnomAD 0.00014; gnomAD exomes 0.00014 and 0.00029; ESP Exome Variant Server 0.00025; ExAC 0.00029.
gnomAD v4.1: 220 of 1,613,788 alleles (0.014%); highest among the groups gnomAD compares: Non-Finnish European, 0.0098%; no homozygotes.

Submissions (4):

Labcorp Genetics (formerly Invitae), Labcorp
Classification: Benign. Last evaluated: 2026-01-21. Review status: criteria provided, single submitter. Criteria: Invitae Variant Classification Sherloc (09022015). Collection method: clinical testing. Allele origin: germline.

Blueprint Genetics
Classification: Likely benign. Last evaluated: 2023-10-04. Review status: criteria provided, single submitter. Criteria: ACMG Guidelines, 2015. Collection method: clinical testing. Allele origin: germline.

Illumina Laboratory Services, Illumina
Classification: Uncertain significance for Usher syndrome type 2C. Last evaluated: 2018-01-12. Review status: criteria provided, single submitter. Criteria: ICSL Variant Classification Criteria 13 December 2019. Collection method: clinical testing. Allele origin: germline.

PreventionGenetics, part of Exact Sciences
Classification: Likely benign for ADGRV1-related condition. Last evaluated: 2024-08-14. Review status: no assertion criteria provided. Collection method: clinical testing. Allele origin: germline. Not counted in ClinVar's aggregate classification.
Comment: This variant is classified as likely benign based on ACMG/AMP sequence variant interpretation guidelines (Richards et al. 2015 PMID: 25741868, with internal and published modifications).